The following is an entry in ClinVar:

ClinVar aggregate classification (germline): Conflicting classifications of pathogenicity. Review status: criteria provided, conflicting classifications (1 of 4 stars). 2 submissions from 2 submitters: Uncertain significance (1); Likely benign (1). Last evaluated 2024-12-12.

Conditions:
Inborn genetic diseases. Identifiers: MedGen C0950123, MeSH D030342.

Allele frequency attached by ClinVar (database versions not stated): gnomAD exomes below 0.00001 and 0.00001; TOPMed below 0.00001; ExAC 0.00001; gnomAD 0.00001; 1000 Genomes Project 30x 0.00016; 1000 Genomes Project 0.00020.
gnomAD v4.1: 12 of 1,607,990 alleles (0.00075%); highest among the groups gnomAD compares: African/African-American, 0.0027%; no homozygotes.

Submissions (2):

Ambry Genetics
Classification: Likely benign for Inborn genetic diseases. Last evaluated: 2024-12-12. Review status: criteria provided, single submitter. Criteria: Ambry Variant Classification Scheme 2023. Collection method: clinical testing. Allele origin: germline.

Labcorp Genetics (formerly Invitae), Labcorp
Classification: Uncertain significance. Last evaluated: 2021-12-10. Review status: criteria provided, single submitter. Criteria: Invitae Variant Classification Sherloc (09022015). Collection method: clinical testing. Allele origin: germline.
Comment: In summary, the available evidence is currently insufficient to determine the role of this variant in disease. Therefore, it has been classified as a Variant of Uncertain Significance. Algorithms developed to predict the effect of missense changes on protein structure and function output the following: SIFT: "Deleterious"; PolyPhen-2: "Benign"; Align-GVGD: "Class C25". The cysteine amino acid residue is found in multiple mammalian species, which suggests that this missense change does not adversely affect protein function. This variant has not been reported in the literature in individuals affected with PEPD-related conditions. The frequency data for this variant in the population databases is considered unreliable, as metrics indicate poor data quality at this position in the gnomAD database. This sequence change replaces arginine, which is basic and polar, with cysteine, which is neutral and slightly polar, at codon 207 of the PEPD protein (p.Arg207Cys).

NM_000285.4(PEPD):c.619C>T (p.Arg207Cys)

Gene: PEPD (peptidase D; minus strand). Cytogenetic location: 19q13.11.
Variant type: single nucleotide variant.
Coding change: c.619C>T on transcript NM_000285.4 (MANE Select); coding-DNA position 619, C replaced by T.
Protein change: p.Arg207Cys; replaces arginine 207 with cysteine.
Molecular consequence: missense variant. On other transcripts: intron variant (1).
Genome position (GRCh38, 1-based): chr19:33,463,992, G>A on the plus strand (C>T on the coding strand, the complement: PEPD is on the minus strand). VCF-style: chr19-33463992-G-A. GRCh37 (hg19) VCF-style: chr19-33954898-G-A.
Other names: c.427C>T, p.Arg143Cys (NM_001166057.2); c.548+14054C>T (NM_001166056.2); c.619C>T (NM_000285.3); short protein forms R143C, R207C.
Identifiers: ClinVar variation 1498078 (VCV001498078.6), dbSNP rs555350937, ClinGen allele CA9364225.